The following is an entry in ClinVar:

ClinVar aggregate classification (germline): Uncertain significance (1 of 4 stars; one submission).

Conditions:
Exostoses, multiple, type 1 (EXT1). Also called: Hereditary Multiple Osteochondromatosis, Type I; EXOSTOSES, MULTIPLE, TYPE I. Identifiers: MedGen CN263289, MONDO:0007585, OMIM 133700.

gnomAD v4.1: 3 of 1,613,856 alleles (0.00019%); highest among the groups gnomAD compares: Admixed American, 0.005%; no homozygotes.

Submission:

St. Jude Molecular Pathology, St. Jude Children's Research Hospital
Classification: Uncertain significance for Exostoses, multiple, type 1. Last evaluated: 2024-08-03. Review status: criteria provided, single submitter. Criteria: St. Jude Assertion Criteria 2020. Collection method: clinical testing. Allele origin: germline.
Comment: The EXT1 c.112G>C (p.Glu38Gln) missense change has a maximum subpopulation frequency of 0.0029% in gnomAD v2.1.1. The in silico tool REVEL is inconclusive about a pathogenic or benign effect of this variant on protein function, and to our knowledge functional studies have not been performed. To our knowledge, this variant has not been reported in individuals with hereditary multiple exostoses. In summary, the evidence currently available is insufficient to determine the clinical significance of this variant. It has therefore been classified as of uncertain significance.

NM_000127.3(EXT1):c.112G>C (p.Glu38Gln)

Gene: EXT1 (exostosin glycosyltransferase 1; minus strand). Cytogenetic location: 8q24.11.
Variant type: single nucleotide variant.
Coding change: c.112G>C on transcript NM_000127.3 (MANE Select); coding-DNA position 112, G replaced by C.
Protein change: p.Glu38Gln; replaces glutamic acid 38 with glutamine.
Molecular consequence: missense variant.
Genome position (GRCh38, 1-based): chr8:118,110,935, C>G on the plus strand (G>C on the coding strand, the complement: EXT1 is on the minus strand). VCF-style: chr8-118110935-C-G. GRCh37 (hg19) VCF-style: chr8-119123174-C-G.
Other names: short protein forms E38Q.
Identifiers: ClinVar variation 3602653 (VCV003602653.1).